The following is an entry in ClinVar:

ClinVar aggregate classification (germline): Pathogenic (1 of 4 stars; one submission).

Conditions:
Abetalipoproteinaemia (ABL). Also called: MTP DEFICIENCY; Abetalipoproteinemia; Abetalipoproteinemia neuropathy; Apolipoprotein B deficiency; Congenital betalipoprotein deficiency syndrome. Identifiers: Orphanet 14, MedGen C0000744, MONDO:0008692, OMIM 200100, HP:0008181.

Submission:

Myriad Genetics, Inc.
Classification: Pathogenic for Abetalipoproteinaemia. Last evaluated: 2024-05-14. Review status: criteria provided, single submitter. Criteria: Myriad Autosomal Dominant, Autosomal Recessive and X-Linked Classification Criteria (2023). Collection method: clinical testing. Allele origin: unknown.
Comment: NM_000253.2(MTTP):c.364del1ins6(P122Gfs*8) is expected to be pathogenic in the context of abetalipoproteinemia. This variant is predicted to lead to an abnormal or absent protein product due to the creation of a premature termination codon in MTTP, a gene where loss-of-function variants are known to be pathogenic. Please note: this variant was assessed in the context of healthy population screening.

NM_001386140.1(MTTP):c.364delinsGGAAAA (p.Pro122fs)

Gene: MTTP (microsomal triglyceride transfer protein; plus strand). Cytogenetic location: 4q23.
Variant type: Indel.
Coding change: c.364delinsGGAAAA on transcript NM_001386140.1 (MANE Select); coding-DNA position 364, C replaced by GGAAAA.
Protein change: p.Pro122fs; shifts the reading frame from proline 122.
Molecular consequence: frameshift variant.
Genome position (GRCh38, 1-based): chr4:99,583,488, C replaced by GGAAAA. VCF-style: chr4-99583488-C-GGAAAA. GRCh37 (hg19) VCF-style: chr4-100504645-C-GGAAAA.
Other names: c.364delinsGGAAAA, p.Pro122fs (NM_000253.4); c.115delinsGGAAAA, p.Pro39fs (NM_001300785.2); short protein forms P122fs, P39fs.
Identifiers: ClinVar variation 5010741 (VCV005010741.1).